The following is an entry in ClinVar:

ClinVar aggregate classification (germline): Conflicting classifications of pathogenicity. Review status: criteria provided, conflicting classifications (1 of 4 stars). 3 submissions from 3 submitters: Uncertain significance (2); Benign (1). Last evaluated 2025-11-18.

Conditions:
Kabuki syndrome. Also called: NIIKAWA-KUROKI SYNDROME; Kabuki make-up syndrome. Identifiers: Orphanet 2322, MedGen C0796004, MONDO:0016512.
Kabuki syndrome 1 (KABUK1). Also called: KMT2D-Related Kabuki Syndrome. Identifiers: Orphanet 2322, MedGen CN030661, MONDO:0007843, OMIM 147920.
Choanal atresia-athelia-hypothyroidism-delayed puberty-short stature syndrome (BCAHH). Also called: BRANCHIAL ARCH ABNORMALITIES, CHOANAL ATRESIA, ATHELIA, HEARING LOSS, AND HYPOTHYROIDISM SYNDROME. Identifiers: Orphanet 589856, MedGen C5680310, MONDO:0035651, OMIM 620186.
KMT2D-related disorder. Also called: KMT2D-Related Disorders.

gnomAD v4.1: 3 of 1,613,890 alleles (0.00019%); highest among the groups gnomAD compares: East Asian, 0.0022%; no homozygotes.

Submissions (3):

PreventionGenetics, part of Exact Sciences
Classification: Uncertain significance for KMT2D-related condition. Last evaluated: 2025-11-18. Review status: criteria provided, single submitter. Criteria: ACMG Guidelines, 2015. Collection method: clinical testing. Allele origin: germline.
Comment: The KMT2D c.6864G>T variant is predicted to result in the amino acid substitution p.Lys2288Asn. To our knowledge, this variant has not been reported in the literature. This variant is reported in 0.0056% of alleles in individuals of East Asian descent in gnomAD. At this time, the clinical significance of this variant is uncertain due to the absence of conclusive functional and genetic evidence.

Labcorp Genetics (formerly Invitae), Labcorp
Classification: Benign for Kabuki syndrome. Last evaluated: 2025-03-23. Review status: criteria provided, single submitter. Criteria: Invitae Variant Classification Sherloc (09022015). Collection method: clinical testing. Allele origin: germline.

Fulgent Genetics
Classification: Uncertain significance for Kabuki syndrome 1; Choanal atresia-athelia-hypothyroidism-delayed puberty-short stature syndrome. Last evaluated: 2024-03-21. Review status: criteria provided, single submitter. Criteria: ACMG Guidelines, 2015. Collection method: clinical testing. Allele origin: germline.

NM_003482.4(KMT2D):c.6864G>T (p.Lys2288Asn)

Gene: KMT2D (lysine methyltransferase 2D; minus strand). Cytogenetic location: 12q13.12.
Variant type: single nucleotide variant.
Coding change: c.6864G>T on transcript NM_003482.4 (MANE Select); coding-DNA position 6864, G replaced by T.
Protein change: p.Lys2288Asn; replaces lysine 2288 with asparagine.
Molecular consequence: missense variant.
Genome position (GRCh38, 1-based): chr12:49,040,906, C>A on the plus strand (G>T on the coding strand, the complement: KMT2D is on the minus strand). VCF-style: chr12-49040906-C-A. GRCh37 (hg19) VCF-style: chr12-49434689-C-A.
Other names: short protein forms K2288N.
Identifiers: ClinVar variation 3574781 (VCV003574781.3).